The following is an entry in ClinVar:

ClinVar aggregate classification (germline): Benign (1 of 4 stars; one submission).

Conditions:
MELAS syndrome (MELAS). Also called: Juvenile myopathy, encephalopathy, lactic acidosis, stroke. Identifiers: Orphanet 550, MedGen C0162671, MONDO:0010789, OMIM 540000.

Submission:

Wong Mito Lab, Molecular and Human Genetics, Baylor College of Medicine
Classification: Benign for MELAS syndrome. Last evaluated: 2019-07-12. Review status: criteria provided, single submitter. Criteria: Modified ACMG Guidelines (Unpublished). Collection method: clinical testing. Allele origin: germline.
Comment: The NC_012920.1:m.4312C>T variant in MT-TI gene is interpreted to be a Benign variant based on the modified ACMG guidelines (unpublished). This variant meets the following evidence codes reported in the guidelines: BS1, BS4, BP4

Literature cited by the submitters: PubMed 31965079.

NC_012920.1(MT-TI):m.4312C>T

Gene: MT-TI (mitochondrially encoded tRNA isoleucine; plus strand).
Variant type: single nucleotide variant.
Genome position: chrM-4312-C-T.
Identifiers: ClinVar variation 689877 (VCV000689877.1), dbSNP rs193303033, ClinGen allele CA337096847.